The following is an entry in ClinVar:

NM_002894.3(RBBP8):c.344A>G (p.Lys115Arg)

Gene: RBBP8 (RB binding protein 8, endonuclease; plus strand). Cytogenetic location: 18q11.2.
Variant type: single nucleotide variant.
Coding change: c.344A>G on transcript NM_002894.3 (MANE Select); coding-DNA position 344, A replaced by G.
Protein change: p.Lys115Arg; replaces lysine 115 with arginine.
Molecular consequence: missense variant.
Genome position (GRCh38, 1-based): chr18:22,968,901, A>G. VCF-style: chr18-22968901-A-G. GRCh37 (hg19) VCF-style: chr18-20548864-A-G.
Other names: c.344A>G, p.Lys115Arg (NM_203291.2, NM_203292.2); short protein forms K115R.
Identifiers: ClinVar variation 2063775 (VCV002063775.4), dbSNP rs2510732261, ClinGen allele CA401771805.
Genomic context (GRCh38, chr18:22,968,901, plus strand): 5'-CTGAAGAACATATGCGGAAAAAACAGCAAGAGTTTGAAAATATCCGGCAGCAGAATCTTA[A>G]ACTTATTACAGAACTTAGTGAGTTTCCTTTCTTCATTTATTATTTAAAGTATGTAATGTA-3'
Protein context (NP_002885.1, residues 105-125): EFENIRQQNL[Lys115Arg]LITELMNERN

ClinVar aggregate classification (germline): Uncertain significance (1 of 4 stars; one submission).

Submission:

Labcorp Genetics (formerly Invitae), Labcorp
Classification: Uncertain significance. Last evaluated: 2022-09-07. Review status: criteria provided, single submitter. Criteria: Invitae Variant Classification Sherloc (09022015). Collection method: clinical testing. Allele origin: germline.
Comment: In summary, the available evidence is currently insufficient to determine the role of this variant in disease. Therefore, it has been classified as a Variant of Uncertain Significance. Algorithms developed to predict the effect of missense changes on protein structure and function (SIFT, PolyPhen-2, Align-GVGD) all suggest that this variant is likely to be tolerated. This variant has not been reported in the literature in individuals affected with RBBP8-related conditions. This variant is not present in population databases (gnomAD no frequency). This sequence change replaces lysine, which is basic and polar, with arginine, which is basic and polar, at codon 115 of the RBBP8 protein (p.Lys115Arg).